The following is an entry in ClinVar:

ClinVar aggregate classification (germline): Uncertain significance (1 of 4 stars; one submission).

Submission:

Ambry Genetics
Classification: Uncertain significance. Last evaluated: 2024-05-16. Review status: criteria provided, single submitter. Criteria: Ambry Variant Classification Scheme 2023. Collection method: clinical testing. Allele origin: germline.
Comment: The p.Q753E variant (also known as c.2257C>G), located in coding exon 14 of the POLQ gene, results from a C to G substitution at nucleotide position 2257. The glutamine at codon 753 is replaced by glutamic acid, an amino acid with highly similar properties. This amino acid position is conserved. In addition, this alteration is predicted to be tolerated by in silico analysis. Based on the available evidence, the clinical significance of this variant remains unclear.

NM_199420.4(POLQ):c.2257C>G (p.Gln753Glu)

Gene: POLQ (DNA polymerase theta; minus strand). Cytogenetic location: 3q13.33.
Variant type: single nucleotide variant.
Coding change: c.2257C>G on transcript NM_199420.4 (MANE Select); coding-DNA position 2257, C replaced by G.
Protein change: p.Gln753Glu; replaces glutamine 753 with glutamic acid.
Molecular consequence: missense variant.
Genome position (GRCh38, 1-based): chr3:121,496,829, G>C on the plus strand (C>G on the coding strand, the complement: POLQ is on the minus strand). VCF-style: chr3-121496829-G-C. GRCh37 (hg19) VCF-style: chr3-121215676-G-C.
Other names: short protein forms Q753E.
Identifiers: ClinVar variation 3308567 (VCV003308567.1).
Genomic context (GRCh38, chr3:121,496,829, plus strand): 5'-ACAGTATTAAATAAATGTGAAACCCTTTGTTTAACTGACCTGCATAAACAGCAGCTGACT[G>C]TTGCAAAGATTGAATCTGCCCACGATTGCATCCATATTTCTGATTTATTTCCCTTAAGGG-3'
Protein context (NP_955452.3, residues 743-763): CNRGQIQSLQ[Gln753Glu]SAAVYAGMIT